The following is an entry in ClinVar:

NM_025099.6(CTC1):c.1078-13G>A

Gene: CTC1 (CST telomere replication complex component 1; minus strand). Cytogenetic location: 17p13.1.
Variant type: single nucleotide variant.
Coding change: c.1078-13G>A on transcript NM_025099.6 (MANE Select); 13 bases into the intron before coding-DNA position 1078, G replaced by A.
Molecular consequence: intron variant.
Genome position (GRCh38, 1-based): chr17:8,235,972, C>T on the plus strand (G>A on the coding strand, the complement: CTC1 is on the minus strand). VCF-style: chr17-8235972-C-T. GRCh37 (hg19) VCF-style: chr17-8139290-C-T.
Identifiers: ClinVar variation 1621729 (VCV001621729.9), dbSNP rs200325111, ClinGen allele CA8372469.

ClinVar aggregate classification (germline): Conflicting classifications of pathogenicity. Review status: criteria provided, conflicting classifications (1 of 4 stars). 2 submissions from 2 submitters: Uncertain significance (1); Likely benign (1). Last evaluated 2023-08-04.

Conditions:
Dyskeratosis congenita. Identifiers: Orphanet 1775, MedGen C0265965, MONDO:0015780.

Allele frequency attached by ClinVar (database versions not stated): ExAC 0.00001; gnomAD 0.00001; gnomAD exomes 0.00001; TOPMed 0.00001; 1000 Genomes Project 30x 0.00031; 1000 Genomes Project 0.00040.
gnomAD v4.1: 9 of 1,602,126 alleles (0.00056%); highest among the groups gnomAD compares: African/African-American, 0.0027%; no homozygotes.

Submissions (2):

Labcorp Genetics (formerly Invitae), Labcorp
Classification: Likely benign for Dyskeratosis congenita. Last evaluated: 2023-08-04. Review status: criteria provided, single submitter. Criteria: Invitae Variant Classification Sherloc (09022015). Collection method: clinical testing. Allele origin: germline.

Sema4
Classification: Uncertain significance for Dyskeratosis congenita. Last evaluated: 2021-10-30. Review status: criteria provided, single submitter. Criteria: Sema4 Curation Guidelines. Collection method: curation. Allele origin: germline.
Comment: The CTC1 c.1078-13G>A variant has not been reported in the literature to our knowledge. It was observed in 2/15446 chromosomes of the African subpopulation in the large and broad cohorts of the Genome Aggregation Database (PMID: 32461654), but has not been reported in ClinVar. In silico tools suggest the variant may potentially have an impact on splicing, though these predictions have not been confirmed by functional studies. The evidence is insufficient to meet ACMG/AMP criteria for classifying the variant as benign or pathogenic. Thus, the clinical significance of this variant is currently uncertain.